The following is an entry in ClinVar:

NM_000522.5(HOXA13):c.317del (p.Ser106fs)

Genes: HOXA13 (homeobox A13; minus strand), LOC107126288 (NUP98-HOXA13 recombination region; plus strand). Cytogenetic location: 7p15.2.
Variant type: Deletion.
Coding change: c.317del on transcript NM_000522.5 (MANE Select); coding-DNA position 317, one base deleted (G; older notation c.317delG).
Protein change: p.Ser106fs; shifts the reading frame from serine 106.
Molecular consequence: frameshift variant.
Genome position (GRCh38, 1-based): chr7:27,199,761, C deleted on the plus strand (G on the coding strand, the reverse complement: HOXA13 is on the minus strand). VCF-style (leftmost placement, unchanged base first): chr7-27199760-GC-G. GRCh37 (hg19) VCF-style: chr7-27239379-GC-G.
Other names: short protein forms S106fs.
Identifiers: ClinVar variation 4727882 (VCV004727882.1).

ClinVar aggregate classification (germline): Uncertain significance (1 of 4 stars; one submission).

Submission:

Labcorp Genetics (formerly Invitae), Labcorp
Classification: Uncertain significance. Last evaluated: 2025-09-30. Review status: criteria provided, single submitter. Criteria: Invitae Variant Classification Sherloc (09022015). Collection method: clinical testing. Allele origin: germline.
Comment: This sequence change creates a premature translational stop signal (p.Ser106Thrfs*229) in the HOXA13 gene. While this is not anticipated to result in nonsense mediated decay, it is expected to disrupt the last 283 amino acid(s) of the HOXA13 protein. The frequency data for this variant in the population databases is considered unreliable, as metrics indicate insufficient coverage at this position in the gnomAD database. This variant has not been reported in the literature in individuals affected with HOXA13-related conditions. Experimental studies and prediction algorithms are not available or were not evaluated, and the functional significance of this variant is currently unknown. In summary, the available evidence is currently insufficient to determine the role of this variant in disease. Therefore, it has been classified as a Variant of Uncertain Significance.